The following is an entry in ClinVar:

NM_013266.4(CTNNA3):c.187G>C (p.Glu63Gln)

Gene: CTNNA3 (catenin alpha 3; minus strand). Cytogenetic location: 10q21.3.
Variant type: single nucleotide variant.
Coding change: c.187G>C on transcript NM_013266.4 (MANE Select); coding-DNA position 187, G replaced by C.
Protein change: p.Glu63Gln; replaces glutamic acid 63 with glutamine.
Molecular consequence: missense variant.
Genome position (GRCh38, 1-based): chr10:67,606,962, C>G on the plus strand (G>C on the coding strand, the complement: CTNNA3 is on the minus strand). VCF-style: chr10-67606962-C-G. GRCh37 (hg19) VCF-style: chr10-69366720-C-G.
Other names: c.187G>C, p.Glu63Gln (NM_001127384.3); c.223G>C, p.Glu75Gln (NM_001291133.2); short protein forms E75Q, E63Q.
Identifiers: ClinVar variation 2142480 (VCV002142480.4), dbSNP rs1046535251, ClinGen allele CA209142887.
Genomic context (GRCh38, chr10:67,606,962, plus strand): 5'-AAACTGTAGCTTCCTGGGCAATCTTCTCTCCCTTGTCTAATAAATTCCAAGTTGCTTCCT[C>G]CACAGAAGCTAGAAGGACACTGGCTCTTTTCGAACGTCCTTTTTTCCTGCTGGAAGGGTT-3'
Protein context (NP_037398.2, residues 53-73): KRASVLLASV[Glu63Gln]EATWNLLDKG

ClinVar aggregate classification (germline): Uncertain significance (1 of 4 stars; one submission).

Conditions:
Arrhythmogenic right ventricular dysplasia 13. Also called: ARRHYTHMOGENIC RIGHT VENTRICULAR CARDIOMYOPATHY 13; Arrhythmogenic right ventricular dysplasia, familial, 13. Identifiers: MedGen C3810138, MONDO:0000908, OMIM 615616.

Allele frequency attached by ClinVar (database versions not stated): gnomAD exomes below 0.00001; TOPMed below 0.00001.
gnomAD v4.1: 6 of 1,613,722 alleles (0.00037%); highest among the groups gnomAD compares: Non-Finnish European, 0.00051%; no homozygotes.

Submission:

Labcorp Genetics (formerly Invitae), Labcorp
Classification: Uncertain significance for Arrhythmogenic right ventricular dysplasia 13. Last evaluated: 2024-06-03. Review status: criteria provided, single submitter. Criteria: Invitae Variant Classification Sherloc (09022015). Collection method: clinical testing. Allele origin: germline.
Comment: This sequence change replaces glutamic acid, which is acidic and polar, with glutamine, which is neutral and polar, at codon 63 of the CTNNA3 protein (p.Glu63Gln). This variant is present in population databases (no rsID available, gnomAD 0.0009%). This variant has not been reported in the literature in individuals affected with CTNNA3-related conditions. ClinVar contains an entry for this variant (Variation ID: 2142480). Advanced modeling of protein sequence and biophysical properties (such as structural, functional, and spatial information, amino acid conservation, physicochemical variation, residue mobility, and thermodynamic stability) performed at Invitae indicates that this missense variant is not expected to disrupt CTNNA3 protein function with a negative predictive value of 80%. In summary, the available evidence is currently insufficient to determine the role of this variant in disease. Therefore, it has been classified as a Variant of Uncertain Significance.